The following is an entry in ClinVar:

ClinVar aggregate classification (germline): Uncertain significance (1 of 4 stars; one submission).

Conditions:
Baller-Gerold syndrome (BGS). Also called: CRANIOSYNOSTOSIS WITH RADIAL DEFECTS. Identifiers: Orphanet 1225, MedGen C0265308, MONDO:0009039, OMIM 218600.

Allele frequency attached by ClinVar (database versions not stated): gnomAD exomes below 0.00001.

Submission:

Labcorp Genetics (formerly Invitae), Labcorp
Classification: Uncertain significance for Baller-Gerold syndrome. Last evaluated: 2021-01-16. Review status: criteria provided, single submitter. Criteria: Invitae Variant Classification Sherloc (09022015). Collection method: clinical testing. Allele origin: germline.
Comment: This sequence change replaces glutamine with arginine at codon 21 of the RECQL4 protein (p.Gln21Arg). The glutamine residue is moderately conserved and there is a small physicochemical difference between glutamine and arginine. The frequency data for this variant in the population databases is considered unreliable, as metrics indicate insufficient coverage at this position in the ExAC database. This variant has not been reported in the literature in individuals with RECQL4-related conditions. Experimental studies and prediction algorithms are not available or were not evaluated, and the functional significance of this variant is currently unknown. In summary, the available evidence is currently insufficient to determine the role of this variant in disease. Therefore, it has been classified as a Variant of Uncertain Significance.

NM_004260.4(RECQL4):c.62A>G (p.Gln21Arg)

Genes: RECQL4 (RecQ like helicase 4; minus strand), LOC130001411 (ATAC-STARR-seq lymphoblastoid silent region 19699; plus strand). Cytogenetic location: 8q24.3.
Variant type: single nucleotide variant.
Coding change: c.62A>G on transcript NM_004260.4 (MANE Select); coding-DNA position 62, A replaced by G.
Protein change: p.Gln21Arg; replaces glutamine 21 with arginine.
Molecular consequence: missense variant.
Genome position (GRCh38, 1-based): chr8:144,517,723, T>C on the plus strand (A>G on the coding strand, the complement: RECQL4 is on the minus strand). VCF-style: chr8-144517723-T-C. GRCh37 (hg19) VCF-style: chr8-145743107-T-C.
Other names: short protein forms Q21R.
Identifiers: ClinVar variation 1472672 (VCV001472672.6), dbSNP rs2130745502, ClinGen allele CA372693731.